The following is an entry in ClinVar:

ClinVar aggregate classification (germline): Uncertain significance. Review status: criteria provided, multiple submitters, no conflicts (2 of 4 stars). 5 submissions from 5 submitters: Uncertain significance (5). Last evaluated 2025-01-16.

Conditions:
Inborn genetic diseases. Identifiers: MedGen C0950123, MeSH D030342.
APC2-related disorder. Also called: APC2-related condition; APC2-Related Disorders.

Allele frequency attached by ClinVar (database versions not stated): ESP Exome Variant Server 0.00017; 1000 Genomes Project 0.00020; 1000 Genomes Project 30x 0.00031; TOPMed 0.00046; gnomAD 0.00049; ExAC 0.00059.

Submissions (5):

Labcorp Genetics (formerly Invitae), Labcorp
Classification: Uncertain significance. Last evaluated: 2025-01-16. Review status: criteria provided, single submitter. Criteria: Invitae Variant Classification Sherloc (09022015). Collection method: clinical testing. Allele origin: germline.
Comment: This sequence change replaces glycine, which is neutral and non-polar, with aspartic acid, which is acidic and polar, at codon 1012 of the APC2 protein (p.Gly1012Asp). This variant is present in population databases (rs200917515, gnomAD 0.09%). This variant has not been reported in the literature in individuals affected with APC2-related conditions. ClinVar contains an entry for this variant (Variation ID: 2068732). Invitae Evidence Modeling of protein sequence and biophysical properties (such as structural, functional, and spatial information, amino acid conservation, physicochemical variation, residue mobility, and thermodynamic stability) indicates that this missense variant is not expected to disrupt APC2 protein function with a negative predictive value of 80%. In summary, the available evidence is currently insufficient to determine the role of this variant in disease. Therefore, it has been classified as a Variant of Uncertain Significance.

Women's Health and Genetics/Laboratory Corporation of America, LabCorp
Classification: Uncertain significance. Last evaluated: 2023-10-24. Review status: criteria provided, single submitter. Criteria: LabCorp Variant Classification Summary - May 2015. Collection method: clinical testing. Allele origin: germline.
Comment: Variant summary: APC2 c.3035G>A (p.Gly1012Asp) results in a non-conservative amino acid change in the encoded protein sequence. Four of five in-silico tools predict a damaging effect of the variant on protein function. The variant allele was found at a frequency of 0.00041 in 189244 control chromosomes. To our knowledge, no occurrence of c.3035G>A in individuals affected with APC2-Related Disorders and no experimental evidence demonstrating its impact on protein function have been reported. Three submitters have cited clinical-significance assessments for this variant to ClinVar after 2014. All submitters classified the variant as uncertain significance. Based on the evidence outlined above, the variant was classified as uncertain significance.

PreventionGenetics, part of Exact Sciences
Classification: Uncertain significance for APC2-related condition. Last evaluated: 2023-01-30. Review status: criteria provided, single submitter. Criteria: ACMG Guidelines, 2015. Collection method: clinical testing. Allele origin: germline.
Comment: The APC2 c.3035G>A variant is predicted to result in the amino acid substitution p.Gly1012Asp. To our knowledge, this variant has not been reported in the literature. This variant is reported in 0.085% of alleles in individuals of European (Non-Finnish) descent in gnomAD. Although we suspect that this variant may be benign, at this time, the clinical significance of this variant is uncertain due to the absence of conclusive functional and genetic evidence.

Revvity Omics, Revvity
Classification: Uncertain significance. Last evaluated: 2022-01-12. Review status: criteria provided, single submitter. Criteria: ACMG Guidelines, 2015. Collection method: clinical testing. Allele origin: germline.

Ambry Genetics
Classification: Uncertain significance for Inborn genetic diseases. Last evaluated: 2021-09-07. Review status: criteria provided, single submitter. Criteria: Ambry Variant Classification Scheme 2023. Collection method: clinical testing. Allele origin: germline.

NM_005883.3(APC2):c.3035G>A (p.Gly1012Asp)

Gene: APC2 (APC regulator of Wnt signaling pathway 2; plus strand). Cytogenetic location: 19p13.3.
Variant type: single nucleotide variant.
Coding change: c.3035G>A on transcript NM_005883.3 (MANE Select); coding-DNA position 3035, G replaced by A.
Protein change: p.Gly1012Asp; replaces glycine 1012 with aspartic acid.
Molecular consequence: missense variant.
Genome position (GRCh38, 1-based): chr19:1,466,336, G>A. VCF-style: chr19-1466336-G-A. GRCh37 (hg19) VCF-style: chr19-1466335-G-A.
Other names: c.3032G>A, p.Gly1011Asp (NM_001351273.1); short protein forms G1011D, G1012D.
Identifiers: ClinVar variation 2068732 (VCV002068732.7), dbSNP rs200917515, ClinGen allele CA9045606.